The following is an entry in ClinVar:

NM_145868.2(ANXA11):c.289C>T (p.Gln97Ter)

Genes: ANXA11 (annexin A11; minus strand), LOC130004184 (ATAC-STARR-seq lymphoblastoid silent region 2543; plus strand). Cytogenetic location: 10q22.3.
Variant type: single nucleotide variant.
Coding change: c.289C>T on transcript NM_145868.2 (MANE Select); coding-DNA position 289, C replaced by T.
Protein change: p.Gln97Ter; replaces glutamine 97 with a stop codon.
Molecular consequence: nonsense.
Genome position (GRCh38, 1-based): chr10:80,169,241, G>A on the plus strand (C>T on the coding strand, the complement: ANXA11 is on the minus strand). VCF-style: chr10-80169241-G-A. GRCh37 (hg19) VCF-style: chr10-81928997-G-A.
Other names: c.289C>T, p.Gln97Ter (NM_001157.3, NM_001278407.2, NM_001278408.2 and 1 more transcripts); c.190C>T, p.Gln64Ter (NM_001278409.2); short protein forms Q64*, Q97*.
Identifiers: ClinVar variation 2022759 (VCV002022759.4), dbSNP rs200048689, ClinGen allele CA5576316.
Genomic context (GRCh38, chr10:80,169,241, plus strand): 5'-TCCTGGAGGGTGGGTTTCCTCCTGGGGGTGGATACATCCCATAGGGAGGAACAGGCTGCT[G>A]GGCAGAGGGGGGCTGCCCAAAGCCGCCAGGGGGCACTGGTGGGTAGCCAGCCCCAGGGGC-3'

ClinVar aggregate classification (germline): Uncertain significance (1 of 4 stars; one submission).

Allele frequency attached by ClinVar (database versions not stated): gnomAD exomes 0.00001; gnomAD 0.00002; TOPMed 0.00002; ExAC 0.00003; 1000 Genomes Project 0.00020; 1000 Genomes Project 30x 0.00031.
gnomAD v4.1: 15 of 1,611,874 alleles (0.00093%); highest among the groups gnomAD compares: East Asian, 0.029%; no homozygotes.

Submission:

Labcorp Genetics (formerly Invitae), Labcorp
Classification: Uncertain significance. Last evaluated: 2022-08-12. Review status: criteria provided, single submitter. Criteria: Invitae Variant Classification Sherloc (09022015). Collection method: clinical testing. Allele origin: germline.
Comment: In summary, the available evidence is currently insufficient to determine the role of this variant in disease. Therefore, it has been classified as a Variant of Uncertain Significance. This variant has not been reported in the literature in individuals affected with ANXA11-related conditions. This variant is present in population databases (rs200048689, gnomAD 0.05%). This sequence change creates a premature translational stop signal (p.Gln97*) in the ANXA11 gene. It is expected to result in an absent or disrupted protein product. However, the current clinical and genetic evidence is not sufficient to establish whether loss-of-function variants in ANXA11 cause disease.